The following is an entry in ClinVar:

NM_020461.4(TUBGCP6):c.3025C>A (p.Pro1009Thr)

Gene: TUBGCP6 (tubulin gamma complex component 6; minus strand). Cytogenetic location: 22q13.33.
Variant type: single nucleotide variant.
Coding change: c.3025C>A on transcript NM_020461.4 (MANE Select); coding-DNA position 3025, C replaced by A.
Protein change: p.Pro1009Thr; replaces proline 1009 with threonine.
Molecular consequence: missense variant.
Genome position (GRCh38, 1-based): chr22:50,221,334, G>T on the plus strand (C>A on the coding strand, the complement: TUBGCP6 is on the minus strand). VCF-style: chr22-50221334-G-T. GRCh37 (hg19) VCF-style: chr22-50659763-G-T.
Other names: short protein forms P1009T.
Identifiers: ClinVar variation 965888 (VCV000965888.10), dbSNP rs764835176, ClinGen allele CA412185415.
Genomic context (GRCh38, chr22:50,221,334, plus strand): 5'-CCTGCCCAAAGAGCCGCTCTGTGGGCTGGCTGCTCCCCTCCTCCAGAGCAGCACGCCTGG[G>T]TGGGTGTGAGGGGAGCAGAGTCTCCCGCGAGGCGGAGCCACAGGCATCCATCTTCCCACA-3'
Protein context (NP_065194.3, residues 999-1019): SRETLLPSHP[Pro1009Thr]RRAALEEGSS

ClinVar aggregate classification (germline): Uncertain significance. Review status: criteria provided, multiple submitters, no conflicts (2 of 4 stars). 2 submissions from 2 submitters: Uncertain significance (2). Last evaluated 2025-07-31.

gnomAD v4.1: 1 of 1,613,062 alleles (0.000062%); highest among the groups gnomAD compares: Non-Finnish European, 0.000085%; no homozygotes.

Submissions (2):

Labcorp Genetics (formerly Invitae), Labcorp
Classification: Uncertain significance. Last evaluated: 2025-07-31. Review status: criteria provided, single submitter. Criteria: Invitae Variant Classification Sherloc (09022015). Collection method: clinical testing. Allele origin: germline.
Comment: This sequence change replaces proline, which is neutral and non-polar, with threonine, which is neutral and polar, at codon 1009 of the TUBGCP6 protein (p.Pro1009Thr). This variant is not present in population databases (gnomAD no frequency). This variant has not been reported in the literature in individuals affected with TUBGCP6-related conditions. ClinVar contains an entry for this variant (Variation ID: 965888). An algorithm developed to predict the effect of missense changes on protein structure and function (PolyPhen-2) suggests that this variant is likely to be tolerated. In summary, the available evidence is currently insufficient to determine the role of this variant in disease. Therefore, it has been classified as a Variant of Uncertain Significance.

GeneDx
Classification: Uncertain significance. Last evaluated: 2024-03-15. Review status: criteria provided, single submitter. Criteria: GeneDx Variant Classification Process June 2021. Collection method: clinical testing. Allele origin: germline. Affected: yes.
Comment: Not observed at significant frequency in large population cohorts (gnomAD); In silico analysis supports that this missense variant does not alter protein structure/function; Has not been previously published as pathogenic or benign to our knowledge